The following is an entry in ClinVar:

ClinVar aggregate classification (germline): Uncertain significance (1 of 4 stars; one submission).

Conditions:
Tuberous sclerosis 2 (TSC2). Identifiers: Orphanet 805, MedGen C1860707, MONDO:0013199, OMIM 613254.

Submission:

Labcorp Genetics (formerly Invitae), Labcorp
Classification: Uncertain significance for Tuberous sclerosis 2. Last evaluated: 2023-12-19. Review status: criteria provided, single submitter. Criteria: Invitae Variant Classification Sherloc (09022015). Collection method: clinical testing. Allele origin: germline.
Comment: This sequence change replaces serine, which is neutral and polar, with tyrosine, which is neutral and polar, at codon 1761 of the TSC2 protein (p.Ser1761Tyr). This variant is not present in population databases (gnomAD no frequency). This variant has not been reported in the literature in individuals affected with TSC2-related conditions. Advanced modeling of protein sequence and biophysical properties (such as structural, functional, and spatial information, amino acid conservation, physicochemical variation, residue mobility, and thermodynamic stability) performed at Invitae indicates that this missense variant is not expected to disrupt TSC2 protein function with a negative predictive value of 95%. In summary, the available evidence is currently insufficient to determine the role of this variant in disease. Therefore, it has been classified as a Variant of Uncertain Significance.

NM_000548.5(TSC2):c.5282C>A (p.Ser1761Tyr)

Gene: TSC2 (TSC complex subunit 2; plus strand). Cytogenetic location: 16p13.3.
Variant type: single nucleotide variant.
Coding change: c.5282C>A on transcript NM_000548.5 (MANE Select); coding-DNA position 5282, C replaced by A.
Protein change: p.Ser1761Tyr; replaces serine 1761 with tyrosine.
Molecular consequence: missense variant. On other transcripts: non-coding transcript variant (5).
Genome position (GRCh38, 1-based): chr16:2,088,468, C>A. VCF-style: chr16-2088468-C-A. GRCh37 (hg19) VCF-style: chr16-2138469-C-A.
Other names: c.5081C>A, p.Ser1694Tyr (NM_001077183.3); c.5213C>A, p.Ser1738Tyr (NM_001114382.3); c.4973C>A, p.Ser1658Tyr (NM_001318827.2); c.4937C>A, p.Ser1646Tyr (NM_001318829.2); c.4550C>A, p.Ser1517Tyr (NM_001318831.2); c.5114C>A, p.Ser1705Tyr (NM_001318832.2); c.5084C>A, p.Ser1695Tyr (NM_001363528.2); c.5150C>A, p.Ser1717Tyr (NM_001370404.1); and 27 more; short protein forms S1246Y, S1247Y, S1517Y, S1537Y, S1541Y, S1646Y, S1675Y, S1691Y.
Identifiers: ClinVar variation 2704096 (VCV002704096.3), dbSNP rs2151638394, ClinGen allele CA394315214.